The following is an entry in ClinVar:

ClinVar aggregate classification (germline): Pathogenic. Review status: reviewed by expert panel (3 of 4 stars). 2 submissions from 2 submitters: Pathogenic (1). 1 of the submissions does not count toward it. Last evaluated 2016-10-18.

Conditions:
Breast-ovarian cancer, familial, susceptibility to, 2 (BROVCA2). Also called: BRCA2 Hereditary Breast and Ovarian Cancer. Identifiers: Orphanet 145, MedGen C2675520, MONDO:0012933, OMIM 612555. Disease mechanism: loss of function.

Submissions (2):

Evidence-based Network for the Interpretation of Germline Mutant Alleles (ENIGMA)
Classification: Pathogenic for Breast-ovarian cancer, familial, susceptibility to, 2. Last evaluated: 2016-10-18. Review status: reviewed by expert panel. Criteria: ENIGMA BRCA1/2 Classification Criteria (2015). Collection method: curation. Allele origin: germline.
Comment: Variant allele predicted to encode a truncated non-functional protein.

Consortium of Investigators of Modifiers of BRCA1/2 (CIMBA), c/o University of Cambridge
Classification: Pathogenic for Breast-ovarian cancer, familial, susceptibility to, 2. Last evaluated: 2015-10-02. Review status: criteria provided, single submitter. Criteria: CIMBA Mutation Classification guidelines May 2016. Collection method: clinical testing. Allele origin: germline. Not counted in ClinVar's aggregate classification.

NM_000059.4(BRCA2):c.1189_1190insTTAT (p.Gln397fs)

Gene: BRCA2 (BRCA2 DNA repair associated; plus strand). Cytogenetic location: 13q13.1.
Variant type: Insertion.
Coding change: c.1189_1190insTTAT on transcript NM_000059.4 (MANE Select); coding-DNA positions 1189 to 1190, TTAT inserted.
Protein change: p.Gln397fs; shifts the reading frame from glutamine 397.
Molecular consequence: frameshift variant.
Genome position: GRCh38 VCF-style: chr13-32332667-C-CTTAT. GRCh37 (hg19) VCF-style: chr13-32906804-C-CTTAT.
Other names: 1417insTTAT; short protein forms Q397fs.
Identifiers: ClinVar variation 266614 (VCV000266614.5), dbSNP rs397515635, ClinGen allele CA10589075.